The following is an entry in ClinVar:

ClinVar aggregate classification (germline): Uncertain significance. Review status: criteria provided, multiple submitters, no conflicts (2 of 4 stars). 2 submissions from 2 submitters: Uncertain significance (2). Last evaluated 2025-06-27.

Conditions:
Inborn genetic diseases. Identifiers: MedGen C0950123, MeSH D030342.

Allele frequency attached by ClinVar (database versions not stated): gnomAD exomes 0.00002; ExAC 0.00002.
gnomAD v4.1: 25 of 1,598,376 alleles (0.0016%); highest among the groups gnomAD compares: Non-Finnish European, 0.0019%; no homozygotes.

Submissions (2):

Labcorp Genetics (formerly Invitae), Labcorp
Classification: Uncertain significance. Last evaluated: 2025-06-27. Review status: criteria provided, single submitter. Criteria: Invitae Variant Classification Sherloc (09022015). Collection method: clinical testing. Allele origin: germline.
Comment: This sequence change replaces serine, which is neutral and polar, with alanine, which is neutral and non-polar, at codon 551 of the CAPN5 protein (p.Ser551Ala). This variant is present in population databases (rs782103079, gnomAD 0.002%). This variant has not been reported in the literature in individuals affected with CAPN5-related conditions. ClinVar contains an entry for this variant (Variation ID: 2079770). An algorithm developed to predict the effect of missense changes on protein structure and function (PolyPhen-2) suggests that this variant is likely to be disruptive. In summary, the available evidence is currently insufficient to determine the role of this variant in disease. Therefore, it has been classified as a Variant of Uncertain Significance.

Ambry Genetics
Classification: Uncertain significance for Inborn genetic diseases. Last evaluated: 2024-09-12. Review status: criteria provided, single submitter. Criteria: Ambry Variant Classification Scheme 2023. Collection method: clinical testing. Allele origin: germline.

NM_004055.5(CAPN5):c.1651T>G (p.Ser551Ala)

Gene: CAPN5 (calpain 5; plus strand). Cytogenetic location: 11q13.5.
Variant type: single nucleotide variant.
Coding change: c.1651T>G on transcript NM_004055.5 (MANE Select); coding-DNA position 1651, T replaced by G.
Protein change: p.Ser551Ala; replaces serine 551 with alanine.
Molecular consequence: missense variant.
Genome position (GRCh38, 1-based): chr11:77,122,623, T>G. VCF-style: chr11-77122623-T-G. GRCh37 (hg19) VCF-style: chr11-76833669-T-G.
Other names: c.1651T>G (NM_004055.4); short protein forms S551A.
Identifiers: ClinVar variation 2079770 (VCV002079770.5), dbSNP rs782103079, ClinGen allele CA6196867.